The following is an entry in ClinVar:

ClinVar aggregate classification (germline): Uncertain significance (1 of 4 stars; one submission).

Allele frequency attached by ClinVar (database versions not stated): gnomAD exomes below 0.00001; gnomAD 0.00002; TOPMed 0.00002.
gnomAD v4.1: 6 of 1,208,989 alleles (0.0005%); highest among the groups gnomAD compares: Non-Finnish European, 0.00067%; no homozygotes.

Submission:

Laboratory for Molecular Medicine, Mass General Brigham Personalized Medicine
Classification: Uncertain significance. Last evaluated: 2020-06-30. Review status: criteria provided, single submitter. Criteria: ACMG Guidelines, 2015. Collection method: clinical testing. Allele origin: germline.
Comment: The p.Ser1200Pro variant in FRMPD4 has not been previously reported in individuals with X-linked neurodevelopmental disorder, but has been identified in the heterozygous state in 0.004% (2/50397) of European chromosomes by the Genome Aggregation Database v3 (gnomAD). This variant was reported in hemizygous state in an individual with infantile spasms, myoclonic jerks, autism, and developmental delay by the Broad Institute Rare Genomes Project. Computational prediction tools and conservation analysis do not provide strong support for or against an impact to the protein. In summary, while the clinical significance of this variant is uncertain, these data suggest that the p.Ser1200Pro variant is more likely to be benign. ACMG/AMP Criteria applied: BS2_Supporting, PM2_Supporting.

NM_001368397.1(FRMPD4):c.3598T>C (p.Ser1200Pro)

Gene: FRMPD4 (FERM and PDZ domain containing 4; plus strand). Cytogenetic location: Xp22.2.
Variant type: single nucleotide variant.
Coding change: c.3598T>C on transcript NM_001368397.1 (MANE Select); coding-DNA position 3598, T replaced by C.
Protein change: p.Ser1200Pro; replaces serine 1200 with proline.
Molecular consequence: missense variant.
Genome position (GRCh38, 1-based): chrX:12,718,424, T>C. VCF-style: chrX-12718424-T-C. GRCh37 (hg19) VCF-style: chrX-12736543-T-C.
Other names: c.3709T>C, p.Ser1237Pro (NM_001368395.3, NM_001368398.3); c.3604T>C, p.Ser1202Pro (NM_001368396.3); c.3589T>C, p.Ser1197Pro (NM_001368399.3); c.3478T>C, p.Ser1160Pro (NM_001368400.3); c.3574T>C, p.Ser1192Pro (NM_001368401.1, NM_001368402.3); c.3598T>C, p.Ser1200Pro (NM_014728.3); short protein forms S1160P, S1192P, S1197P, S1200P, S1202P, S1237P.
Identifiers: ClinVar variation 3075804 (VCV003075804.1), dbSNP rs1055429063, ClinGen allele CA326084606.
Genomic context (GRCh38, chrX:12,718,424, plus strand): 5'-CTTCCTGAGGCTGATGAGAGTGTGGCCCGCCTTTGTGACTACCACTTGGCCAAGCGGATG[T>C]CATCACTGCAAAGCGAGGGCCATTTTTCTCTGCAGAGCTCCCAAGGCTCTTCAGTGGATG-3'
Protein context (NP_001355326.1, residues 1190-1210): LCDYHLAKRM[Ser1200Pro]SLQSEGHFSL